The following is an entry in ClinVar:

ClinVar aggregate classification (germline): Benign/Likely benign. Review status: criteria provided, multiple submitters, no conflicts (2 of 4 stars). 4 submissions from 4 submitters: Benign (1); Likely benign (3). Last evaluated 2026-02-04.

Allele frequency attached by ClinVar (database versions not stated): ESP Exome Variant Server 0.00008; 1000 Genomes Project 30x 0.00016; 1000 Genomes Project 0.00020.
gnomAD v4.1: 118 of 1,613,740 alleles (0.0073%); highest among the groups gnomAD compares: Middle Eastern, 0.082%; no homozygotes.

Submissions (4):

Labcorp Genetics (formerly Invitae), Labcorp
Classification: Likely benign. Last evaluated: 2026-02-04. Review status: criteria provided, single submitter. Criteria: Invitae Variant Classification Sherloc (09022015). Collection method: clinical testing. Allele origin: germline.

Blueprint Genetics
Classification: Likely benign. Last evaluated: 2024-10-25. Review status: criteria provided, single submitter. Criteria: ACMG Guidelines, 2015. Collection method: clinical testing. Allele origin: germline.

Women's Health and Genetics/Laboratory Corporation of America, LabCorp
Classification: Benign. Last evaluated: 2022-01-09. Review status: criteria provided, single submitter. Criteria: LabCorp Variant Classification Summary - May 2015. Collection method: clinical testing. Allele origin: germline.
Comment: Variant summary: LZTR1 c.320+13G>A alters a non-conserved nucleotide located close to a canonical splice site and therefore could affect mRNA splicing, leading to a significantly altered protein sequence. 4/4 computational tools predict no significant impact on normal splicing. However, these predictions have yet to be confirmed by functional studies. The variant allele was found at a frequency of 0.00013 in 251060 control chromosomes. The observed variant frequency is approximately 26 fold of the estimated maximal expected allele frequency for a pathogenic variant in LZTR1 causing Noonan Syndrome phenotype (5e-06), strongly suggesting that the variant is benign. To our knowledge, no occurrence of c.320+13G>A in individuals affected with Noonan Syndrome and no experimental evidence demonstrating its impact on protein function have been reported. No clinical diagnostic laboratories have submitted clinical-significance assessments for this variant to ClinVar after 2014. Based on the evidence outlined above, the variant was classified as benign.

Breakthrough Genomics
Classification: Likely benign. Review status: criteria provided, single submitter. Criteria: ACMG Guidelines, 2015. Collection method: not provided. Allele origin: germline. Inheritance: Autosomal recessive inheritance. Affected: yes.

NM_006767.4(LZTR1):c.320+13G>A

Gene: LZTR1 (leucine zipper like post translational regulator 1; plus strand). Cytogenetic location: 22q11.21.
Variant type: single nucleotide variant.
Coding change: c.320+13G>A on transcript NM_006767.4 (MANE Select); 13 bases into the intron after coding-DNA position 320, G replaced by A.
Molecular consequence: intron variant.
Genome position (GRCh38, 1-based): chr22:20,985,910, G>A. VCF-style: chr22-20985910-G-A. GRCh37 (hg19) VCF-style: chr22-21340199-G-A.
Identifiers: ClinVar variation 1339667 (VCV001339667.11), dbSNP rs188924002, ClinGen allele CA10118354.